The following is an entry in ClinVar:

NM_016616.5(NME8):c.1352A>C (p.Gln451Pro)

Gene: NME8 (NME/NM23 family member 8; plus strand). Cytogenetic location: 7p14.1.
Variant type: single nucleotide variant.
Coding change: c.1352A>C on transcript NM_016616.5 (MANE Select); coding-DNA position 1352, A replaced by C.
Protein change: p.Gln451Pro; replaces glutamine 451 with proline.
Molecular consequence: missense variant.
Genome position (GRCh38, 1-based): chr7:37,888,381, A>C. VCF-style: chr7-37888381-A-C. GRCh37 (hg19) VCF-style: chr7-37927983-A-C.
Other names: short protein forms Q451P.
Identifiers: ClinVar variation 2864094 (VCV002864094.3), dbSNP rs1785075686, ClinGen allele CA367216373.

ClinVar aggregate classification (germline): Uncertain significance (1 of 4 stars; one submission).

Conditions:
Primary ciliary dyskinesia 6. Also called: Primary Ciliary Dyskinesia 6: TXNDC3-Related Primary Ciliary Dyskinesia. Identifiers: Orphanet 244, MedGen C1970506, MONDO:0012571, OMIM 610852.

Allele frequency attached by ClinVar (database versions not stated): TOPMed 0.00001.

Submission:

Labcorp Genetics (formerly Invitae), Labcorp
Classification: Uncertain significance for Primary ciliary dyskinesia 6. Last evaluated: 2024-01-18. Review status: criteria provided, single submitter. Criteria: Invitae Variant Classification Sherloc (09022015). Collection method: clinical testing. Allele origin: germline.
Comment: This sequence change replaces glutamine, which is neutral and polar, with proline, which is neutral and non-polar, at codon 451 of the NME8 protein (p.Gln451Pro). This variant is not present in population databases (gnomAD no frequency). This variant has not been reported in the literature in individuals affected with NME8-related conditions. Advanced modeling of protein sequence and biophysical properties (such as structural, functional, and spatial information, amino acid conservation, physicochemical variation, residue mobility, and thermodynamic stability) performed at Invitae indicates that this missense variant is not expected to disrupt NME8 protein function with a negative predictive value of 80%. In summary, the available evidence is currently insufficient to determine the role of this variant in disease. Therefore, it has been classified as a Variant of Uncertain Significance.